The following is an entry in ClinVar:

ClinVar aggregate classification (germline): Uncertain significance (1 of 4 stars; one submission).

Conditions:
Familial adenomatous polyposis 1 (FAP1). Also called: FAMILIAL ADENOMATOUS POLYPOSIS 1, ATTENUATED; POLYPOSIS, ADENOMATOUS INTESTINAL. Identifiers: MedGen C2713442, MONDO:0021056, OMIM 175100. Disease mechanism: loss of function.

Submission:

Labcorp Genetics (formerly Invitae), Labcorp
Classification: Uncertain significance for Familial adenomatous polyposis 1. Last evaluated: 2023-02-06. Review status: criteria provided, single submitter. Criteria: Invitae Variant Classification Sherloc (09022015). Collection method: clinical testing. Allele origin: germline.
Comment: This variant has not been reported in the literature in individuals affected with APC-related conditions. ClinVar contains an entry for this variant (Variation ID: 858787). Variants that disrupt the consensus splice site are a relatively common cause of aberrant splicing (PMID: 17576681, 9536098). Algorithms developed to predict the effect of sequence changes on RNA splicing suggest that this variant may disrupt the consensus splice site. In summary, the available evidence is currently insufficient to determine the role of this variant in disease. Therefore, it has been classified as a Variant of Uncertain Significance. This variant is not present in population databases (gnomAD no frequency). This sequence change affects codon 45 of the APC mRNA. It is a 'silent' change, meaning that it does not change the encoded amino acid sequence of the APC protein. This variant also falls at the last nucleotide of exon 2, which is part of the consensus splice site for this exon.

Literature cited by the submitters: PubMed 17576681; PubMed 9536098.

NM_000038.6(APC):c.135G>A (p.Lys45=)

Gene: APC (APC regulator of Wnt signaling pathway; plus strand). Cytogenetic location: 5q22.2.
Variant type: single nucleotide variant.
Coding change: c.135G>A on transcript NM_000038.6 (MANE Select); coding-DNA position 135, G replaced by A.
Protein change: p.Lys45=; no amino-acid change (lysine 45 retained).
Molecular consequence: synonymous variant. On other transcripts: 5 prime UTR variant (1), intron variant (8).
Genome position (GRCh38, 1-based): chr5:112,755,025, G>A. VCF-style: chr5-112755025-G-A. GRCh37 (hg19) VCF-style: chr5-112090722-G-A.
Other names: c.135G>A, p.Lys45= (NM_001127510.3, NM_001354895.2, NM_001354896.2 and 2 more transcripts); c.-901G>A (NM_001354906.2); c.166-11301G>A (NM_001354897.2, NM_001354902.2, NM_001127511.3); c.61-11301G>A (NM_001354898.2, NM_001354904.2); c.-42-11301G>A (NM_001354900.2, NM_001354901.2, NM_001354905.2).
Identifiers: ClinVar variation 858787 (VCV000858787.8), dbSNP rs1754804397, ClinGen allele CA445752711.